The following is an entry in ClinVar:

ClinVar aggregate classification (germline): Likely pathogenic (1 of 4 stars; one submission).

Conditions:
QDPR-related disorder. Also called: QDPR-related condition.

Submission:

PreventionGenetics, part of Exact Sciences
Classification: Likely pathogenic for QDPR-related condition. Last evaluated: 2025-11-20. Review status: criteria provided, single submitter. Criteria: ACMG Guidelines, 2015. Collection method: clinical testing. Allele origin: germline.
Comment: The QDPR c.365dupC variant is predicted to result in a frameshift and premature protein termination (p.Thr123Tyrfs*74). To our knowledge, this variant has not been reported in the literature or in a large population database (gnomAD), indicating this variant is rare. Frameshift variants in QDPR are expected to be pathogenic. This variant is interpreted as likely pathogenic.

NM_000320.3(QDPR):c.365dup (p.Thr123fs)

Gene: QDPR (quinoid dihydropteridine reductase; minus strand). Cytogenetic location: 4p15.32.
Variant type: Duplication.
Coding change: c.365dup on transcript NM_000320.3 (MANE Select); coding-DNA position 365, one base duplicated (C; older notation c.365dupC).
Protein change: p.Thr123fs; shifts the reading frame from threonine 123.
Molecular consequence: frameshift variant. On other transcripts: non-coding transcript variant (1).
Genome position (GRCh38, 1-based): chr4:17,501,790, G duplicated on the plus strand (C on the coding strand, the reverse complement: QDPR is on the minus strand). VCF-style (leftmost placement, unchanged base first): chr4-17501789-A-AG. GRCh37 (hg19) VCF-style: chr4-17503412-A-AG.
Other names: c.272dup, p.Thr92fs (NM_001306140.2); short protein forms T123fs, T92fs.
Identifiers: ClinVar variation 4986175 (VCV004986175.1).